The following is an entry in ClinVar:

ClinVar aggregate classification (germline): Likely benign. Review status: criteria provided, multiple submitters, no conflicts (2 of 4 stars). 2 submissions from 2 submitters: Likely benign (2). Last evaluated 2025-10-16.

Conditions:
RBCK1-related disorder. Also called: RBCK1-related condition.
Polyglucosan body myopathy type 1 (PGBM1). Also called: POLYGLUCOSAN BODY MYOPATHY WITHOUT IMMUNODEFICIENCY; Polyglucosan body myopathy 1 with or without immunodeficiency. Identifiers: Orphanet 329173, Orphanet 397937, MedGen C4014605, MONDO:0014389, OMIM 615895.

Allele frequency attached by ClinVar (database versions not stated): ExAC 0.00003; gnomAD 0.00003; 1000 Genomes Project 0.00020; 1000 Genomes Project 30x 0.00047.
gnomAD v4.1: 65 of 1,613,940 alleles (0.004%); highest among the groups gnomAD compares: South Asian, 0.0099%; no homozygotes.

Submissions (2):

Labcorp Genetics (formerly Invitae), Labcorp
Classification: Likely benign for Polyglucosan body myopathy type 1. Last evaluated: 2025-10-16. Review status: criteria provided, single submitter. Criteria: Invitae Variant Classification Sherloc (09022015). Collection method: clinical testing. Allele origin: germline.

PreventionGenetics, part of Exact Sciences
Classification: Likely benign for RBCK1-related condition. Last evaluated: 2024-12-28. Review status: criteria provided, single submitter. Criteria: ACMG Guidelines, 2015. Collection method: clinical testing. Allele origin: germline.
Comment: This variant is classified as likely benign based on ACMG/AMP sequence variant interpretation guidelines (Richards et al. 2015 PMID: 25741868, with internal and published modifications).

NM_031229.4(RBCK1):c.156G>A (p.Thr52=)

Gene: RBCK1 (RANBP2-type and C3HC4-type zinc finger containing 1; plus strand). Cytogenetic location: 20p13.
Variant type: single nucleotide variant.
Coding change: c.156G>A on transcript NM_031229.4 (MANE Select); coding-DNA position 156, G replaced by A.
Protein change: p.Thr52=; no amino-acid change (threonine 52 retained).
Molecular consequence: synonymous variant. On other transcripts: 5 prime UTR variant (1), non-coding transcript variant (1), intron variant (2).
Genome position (GRCh38, 1-based): chr20:410,014, G>A. VCF-style: chr20-410014-G-A. GRCh37 (hg19) VCF-style: chr20-390658-G-A.
Other names: c.-194G>A (NM_001323956.2); c.156G>A, p.Thr52= (NM_001323960.2); c.207G>A, p.Thr69= (NM_001410770.1); c.41+1235G>A (NM_006462.6); c.-183+1235G>A (NM_001323958.2); c.156G>A (NM_031229.3).
Identifiers: ClinVar variation 2140297 (VCV002140297.5), dbSNP rs568956631, ClinGen allele CA9722891.